The following is an entry in ClinVar:

NM_020975.6(RET):c.1771G>T (p.Val591Phe)

Gene: RET (ret proto-oncogene; plus strand). Cytogenetic location: 10q11.21.
Variant type: single nucleotide variant.
Coding change: c.1771G>T on transcript NM_020975.6 (MANE Select); coding-DNA position 1771, G replaced by T.
Protein change: p.Val591Phe; replaces valine 591 with phenylalanine.
Molecular consequence: missense variant. On other transcripts: intron variant (2).
Genome position (GRCh38, 1-based): chr10:43,113,567, G>T. VCF-style: chr10-43113567-G-T. GRCh37 (hg19) VCF-style: chr10-43609015-G-T.
Other names: c.1009G>T, p.Val337Phe (NM_001355216.2); c.1771G>T, p.Val591Phe (NM_001406743.1, NM_020630.7, NM_001406744.1 and 4 more transcripts); c.1642G>T, p.Val548Phe (NM_001406768.1, NM_001406761.1, NM_001406762.1 and 1 more transcripts); c.1375G>T, p.Val459Phe (NM_001406769.1, NM_001406772.1); c.1483G>T, p.Val495Phe (NM_001406770.1, NM_001406766.1, NM_001406767.1); c.1333G>T, p.Val445Phe (NM_001406771.1, NM_001406773.1); c.1246G>T, p.Val416Phe (NM_001406774.1); c.1045G>T, p.Val349Phe (NM_001406775.1, NM_001406776.1, NM_001406777.1 and 1 more transcripts); and 7 more; short protein forms V249F, V261F, V495F, V548F, V196F, V108F, V416F, V445F.
Identifiers: ClinVar variation 3313731 (VCV003313731.1).

ClinVar aggregate classification (germline): Uncertain significance (1 of 4 stars; one submission).

Conditions:
Hereditary cancer-predisposing syndrome. Also called: Neoplastic Syndromes, Hereditary; Tumor predisposition; Hereditary neoplastic syndrome; Hereditary Cancer Syndrome. Identifiers: Orphanet 140162, MedGen C0027672, MeSH D009386, MONDO:0015356.

Submission:

Ambry Genetics
Classification: Uncertain significance for Hereditary cancer-predisposing syndrome. Last evaluated: 2024-05-08. Review status: criteria provided, single submitter. Criteria: Ambry Variant Classification Scheme 2023. Collection method: clinical testing. Allele origin: germline.
Comment: The p.V591F variant (also known as c.1771G>T), located in coding exon 10 of the RET gene, results from a G to T substitution at nucleotide position 1771. The valine at codon 591 is replaced by phenylalanine, an amino acid with highly similar properties. This amino acid position is poorly conserved in available vertebrate species. In addition, the in silico prediction for this alteration is inconclusive. Based on the available evidence, the clinical significance of this variant remains unclear.